The following is an entry in ClinVar:

ClinVar aggregate classification (germline): Pathogenic (1 of 4 stars; one submission).

Conditions:
X-linked lymphoproliferative disease due to XIAP deficiency. Also called: XIAP-Related Lymphoproliferative Disease, X-Linked; XIAP DEFICIENCY. Identifiers: Orphanet 2442, Orphanet 538934, MedGen C1845076, MONDO:0010385, OMIM 300635.

Submission:

Laboratorio de Genetica e Diagnostico Molecular, Hospital Israelita Albert Einstein
Classification: Pathogenic for X-linked lymphoproliferative disease due to XIAP deficiency. Last evaluated: 2023-12-15. Review status: criteria provided, single submitter. Criteria: ACMG Guidelines, 2015. Collection method: clinical testing. Allele origin: germline. Affected: yes.
Comment: ACMG classification criteria: PVS1 very strong, PS4 supporting, PM2 moderate

NM_001167.4(XIAP):c.951G>A (p.Trp317Ter)

Gene: XIAP (X-linked inhibitor of apoptosis; plus strand). Cytogenetic location: Xq25.
Variant type: single nucleotide variant.
Coding change: c.951G>A on transcript NM_001167.4 (MANE Select); coding-DNA position 951, G replaced by A.
Protein change: p.Trp317Ter; replaces tryptophan 317 with a stop codon.
Molecular consequence: nonsense. On other transcripts: non-coding transcript variant (2).
Genome position (GRCh38, 1-based): chrX:123,888,692, G>A. VCF-style: chrX-123888692-G-A. GRCh37 (hg19) VCF-style: chrX-123022542-G-A.
Other names: c.951G>A, p.Trp317Ter (NM_001204401.2, NM_001378590.1, NM_001378591.1 and 1 more transcripts); short protein forms W317*.
Identifiers: ClinVar variation 4076330 (VCV004076330.1).
Genomic context (GRCh38, chrX:123,888,692, plus strand): 5'-AGTAAAGTGCTTTCACTGTGGAGGAGGGCTAACTGATTGGAAGCCCAGTGAAGACCCTTG[G>A]GAACAACATGCTAAATGGTATCCAGGGTAAGATATTTAATTGTTCATTGTACAGGCAAGT-3'